The following is an entry in ClinVar:

ClinVar aggregate classification (germline): Pathogenic (0 of 4 stars; one submission).

Conditions:
MGAT2-congenital disorder of glycosylation. Also called: MGAT2-CDG; Congenital disorder of glycosylation, type IIa; MENTAL RETARDATION, GROWTH RETARDATION, PROMINENT COLUMELLA, AND OPEN MOUTH; Alkuraya syndrome; CDG IIa. Identifiers: Orphanet 79329, MedGen C2931008, MONDO:0008908, OMIM 212066.

Submission:

Lab Thiel (Congenital Disorders of Glycosylation), Center for Child and Adolescent Medicine
Classification: Pathogenic for MGAT2-congenital disorder of glycosylation. Review status: no assertion criteria provided. Collection method: research. Allele origin: germline. Inheritance: Autosomal recessive inheritance. Affected: yes. Observed: 1 compound heterozygote.
Comment: The variant is absent from large Population studies. In summary, the p.D267H variant meets our criteria to be classified as pathogenic.

NM_002408.4(MGAT2):c.799G>C (p.Asp267His)

Gene: MGAT2 (alpha-1,6-mannosyl-glycoprotein 2-beta-N-acetylglucosaminyltransferase; plus strand). Cytogenetic location: 14q21.3.
Variant type: single nucleotide variant.
Coding change: c.799G>C on transcript NM_002408.4 (MANE Select); coding-DNA position 799, G replaced by C.
Protein change: p.Asp267His; replaces aspartic acid 267 with histidine.
Molecular consequence: missense variant.
Genome position (GRCh38, 1-based): chr14:49,622,067, G>C. VCF-style: chr14-49622067-G-C. GRCh37 (hg19) VCF-style: chr14-50088785-G-C.
Other names: short protein forms D267H.
Identifiers: ClinVar variation 617661 (VCV000617661.1), dbSNP rs1566505013, ClinGen allele CA389620508.